The following is an entry in ClinVar:

ClinVar aggregate classification (germline): Conflicting classifications of pathogenicity. Review status: criteria provided, conflicting classifications (1 of 4 stars). 6 submissions from 6 submitters: Uncertain significance (5); Likely benign (1). Last evaluated 2026-07-23.

Conditions:
Inborn genetic diseases. Identifiers: MedGen C0950123, MeSH D030342.
Generalized epilepsy-paroxysmal dyskinesia syndrome (PNKD3). Also called: Generalized epilepsy and paroxysmal dyskinesia; Paroxysmal nonkinesigenic dyskinesia, 3, with or without generalized epilepsy. Identifiers: Orphanet 79137, MedGen C5574945, MONDO:0012276, OMIM 609446.

Submissions (6):

GeneDx
Classification: Uncertain significance. Last evaluated: 2026-07-23. Review status: criteria provided, single submitter. Criteria: GeneDx Variant Classification Process June 2021. Collection method: clinical testing. Allele origin: germline.
Comment: In-frame duplication of 6 amino acids in a non-repeat region; Has not been previously published as pathogenic or benign to our knowledge

CeGaT Center for Human Genetics Tuebingen
Classification: Uncertain significance. Last evaluated: 2026-03-01. Review status: criteria provided, single submitter. Criteria: CeGaT Center For Human Genetics Tuebingen Variant Classification Criteria Version 2. Collection method: clinical testing. Allele origin: germline. Affected: yes. Observed: 4 variant alleles.
Comment: KCNMA1: PM2, BP4

Labcorp Genetics (formerly Invitae), Labcorp
Classification: Uncertain significance for Generalized epilepsy-paroxysmal dyskinesia syndrome. Last evaluated: 2026-01-11. Review status: criteria provided, single submitter. Criteria: Invitae Variant Classification Sherloc (09022015). Collection method: clinical testing. Allele origin: germline.
Comment: This variant, c.31_48dup, results in the insertion of 6 amino acid(s) of the KCNMA1 protein (p.Ser11_Gly16dup), but otherwise preserves the integrity of the reading frame. The frequency data for this variant in the population databases is considered unreliable, as metrics indicate poor data quality at this position in the gnomAD database. This variant has not been reported in the literature in individuals affected with KCNMA1-related conditions. ClinVar contains an entry for this variant (Variation ID: 497141). Experimental studies and prediction algorithms are not available or were not evaluated, and the functional significance of this variant is currently unknown. In summary, the available evidence is currently insufficient to determine the role of this variant in disease. Therefore, it has been classified as a Variant of Uncertain Significance.

Ambry Genetics
Classification: Likely benign for Inborn genetic diseases. Last evaluated: 2025-06-16. Review status: criteria provided, single submitter. Criteria: Ambry Variant Classification Scheme 2023. Collection method: clinical testing. Allele origin: germline.

Blueprint Genetics
Classification: Uncertain significance. Last evaluated: 2024-09-18. Review status: criteria provided, single submitter. Criteria: ACMG Guidelines, 2015. Collection method: clinical testing. Allele origin: germline.

Eurofins Ntd Llc (ga)
Classification: Uncertain significance. Last evaluated: 2017-01-06. Review status: criteria provided, single submitter. Criteria: EGL Classification Definitions 2015. Collection method: clinical testing. Allele origin: germline. Observed: 2 variant alleles, 2 heterozygotes.

NM_001161352.2(KCNMA1):c.31_48dup (p.Ser11_Gly16dup)

Gene: KCNMA1 (potassium calcium-activated channel subfamily M alpha 1; minus strand). Cytogenetic location: 10q22.3.
Variant type: Duplication.
Coding change: c.31_48dup on transcript NM_001161352.2 (MANE Select); coding-DNA positions 31 to 48, 18 bases duplicated (AGCAGCGGCGGCGGCGGC).
Protein change: p.Ser11_Gly16dup.
Molecular consequence: inframe insertion.
Genome position (GRCh38, 1-based): chr10:77,637,595-77,637,612, GCCGCCGCCGCCGCTGCT duplicated on the plus strand (AGCAGCGGCGGCGGCGGC on the coding strand, the reverse complement: KCNMA1 is on the minus strand); duplicating any 18 consecutive bases within chr10:77,637,595-77,637,626 gives the same sequence; the c. name uses the placement nearest the transcript's 3' end. VCF-style (leftmost placement, unchanged base first): chr10-77637594-C-CGCCGCCGCCGCCGCTGCT. GRCh37 (hg19) VCF-style: chr10-79397352-C-CGCCGCCGCCGCCGCTGCT.
Other names: c.31_48dup, p.Ser11_Gly16dup (NM_001014797.3, NM_001161353.2, NM_001271518.2 and 12 more transcripts); c.31_48dupAGCAGCGGCGGCGGCGGC (NM_002247.3).
Identifiers: ClinVar variation 497141 (VCV000497141.51), dbSNP rs759136661, ClinGen allele CA5568819.